The following is an entry in ClinVar:

NM_003764.4(STX11):c.73G>T (p.Glu25Ter)

Gene: STX11 (syntaxin 11; plus strand). Cytogenetic location: 6q24.2.
Variant type: single nucleotide variant.
Coding change: c.73G>T on transcript NM_003764.4 (MANE Select); coding-DNA position 73, G replaced by T.
Protein change: p.Glu25Ter; replaces glutamic acid 25 with a stop codon.
Molecular consequence: nonsense.
Genome position (GRCh38, 1-based): chr6:144,186,700, G>T. VCF-style: chr6-144186700-G-T. GRCh37 (hg19) VCF-style: chr6-144507837-G-T.
Other names: short protein forms E25*.
Identifiers: ClinVar variation 2679068 (VCV002679068.2), dbSNP rs1184467972, ClinGen allele CA365948476.
Genomic context (GRCh38, chr6:144,186,700, plus strand): 5'-CTAGCAGAACTTCTGGACTTGTCCAAGCAATATGACCAGCAGTTCCCAGACGGGGACGAT[G>T]AGTTTGACTCGCCCCACGAGGACATCGTGTTCGAGACGGACCACATCCTGGAGTCCCTGT-3'

ClinVar aggregate classification (germline): Pathogenic. Review status: criteria provided, multiple submitters, no conflicts (2 of 4 stars). 2 submissions from 2 submitters: Pathogenic (2). Last evaluated 2025-10-08.

Conditions:
Familial hemophagocytic lymphohistiocytosis 4 (FHL4). Also called: STX11-Related Familial Hemophagocytic Lymphohistiocytosis (STX11-fHLH). Identifiers: Orphanet 540, MedGen C1863728, MONDO:0011336, OMIM 603552.

Allele frequency attached by ClinVar (database versions not stated): gnomAD exomes below 0.00001.
gnomAD v4.1: 2 of 1,614,220 alleles (0.00012%); highest among the groups gnomAD compares: Admixed American, 0.0033%; no homozygotes.

Submissions (2):

Labcorp Genetics (formerly Invitae), Labcorp
Classification: Pathogenic for Familial hemophagocytic lymphohistiocytosis 4. Last evaluated: 2025-10-08. Review status: criteria provided, single submitter. Criteria: Invitae Variant Classification Sherloc (09022015). Collection method: clinical testing. Allele origin: germline.
Comment: This sequence change creates a premature translational stop signal (p.Glu25*) in the STX11 gene. While this is not anticipated to result in nonsense mediated decay, it is expected to disrupt the last 263 amino acid(s) of the STX11 protein. This variant is present in population databases (no rsID available, gnomAD 0.003%). This premature translational stop signal has been observed in individual(s) with autosomal recessive familial hemophagocytic lymphohistiocytosis (PMID: 20486178, 32542393). It has also been observed to segregate with disease in related individuals. ClinVar contains an entry for this variant (Variation ID: 2679068). This variant disrupts a region of the STX11 protein in which other variant(s) (p.Gln268*) have been determined to be pathogenic (PMID: 15703195, 16582076, 33746956). This suggests that this is a clinically significant region of the protein, and that variants that disrupt it are likely to be disease-causing. For these reasons, this variant has been classified as Pathogenic.

Baylor Genetics
Classification: Pathogenic for Familial hemophagocytic lymphohistiocytosis 4. Last evaluated: 2022-07-02. Review status: criteria provided, single submitter. Criteria: ACMG Guidelines, 2015. Collection method: clinical testing. Allele origin: unknown.

Literature cited by the submitters: PubMed 20486178 (cited by Labcorp Genetics (formerly Invitae), Labcorp); PubMed 32542393 (cited by Labcorp Genetics (formerly Invitae), Labcorp); PubMed 15703195 (cited by Labcorp Genetics (formerly Invitae), Labcorp); PubMed 16582076 (cited by Labcorp Genetics (formerly Invitae), Labcorp); PubMed 33746956 (cited by Labcorp Genetics (formerly Invitae), Labcorp).